The following is an entry in ClinVar:

NM_144631.6(ZNF513):c.730T>C (p.Cys244Arg)

Gene: ZNF513 (zinc finger protein 513; minus strand). Cytogenetic location: 2p23.3.
Variant type: single nucleotide variant.
Coding change: c.730T>C on transcript NM_144631.6 (MANE Select); coding-DNA position 730, T replaced by C.
Protein change: p.Cys244Arg; replaces cysteine 244 with arginine.
Molecular consequence: missense variant.
Genome position (GRCh38, 1-based): chr2:27,378,536, A>G on the plus strand (T>C on the coding strand, the complement: ZNF513 is on the minus strand). VCF-style: chr2-27378536-A-G. GRCh37 (hg19) VCF-style: chr2-27601403-A-G.
Other names: c.544T>C, p.Cys182Arg (NM_001201459.2); short protein forms C244R, C182R.
Identifiers: ClinVar variation 2848228 (VCV002848228.3), dbSNP rs1340316915, ClinGen allele CA346217581.
Genomic context (GRCh38, chr2:27,378,536, plus strand): 5'-GCCGGGGCACCGCCCCCTCCTGCTCTGTGGGACTGGGAGGCCGGGCTGGTCGTGGAGTAC[A>G]GCAGCGGAAGCCACAGGTCGGGCAGGGAGGAGTGGGGGGCCCTGCGTGGGTACGCTGATG-3'
Protein context (NP_653232.3, residues 234-254): PPCPTCGFRC[Cys244Arg]TPRPARPPSP

ClinVar aggregate classification (germline): Uncertain significance (1 of 4 stars; one submission).

Allele frequency attached by ClinVar (database versions not stated): TOPMed below 0.00001.

Submission:

Labcorp Genetics (formerly Invitae), Labcorp
Classification: Uncertain significance. Last evaluated: 2024-04-10. Review status: criteria provided, single submitter. Criteria: Invitae Variant Classification Sherloc (09022015). Collection method: clinical testing. Allele origin: germline.
Comment: This sequence change replaces cysteine, which is neutral and slightly polar, with arginine, which is basic and polar, at codon 244 of the ZNF513 protein (p.Cys244Arg). This variant is not present in population databases (gnomAD no frequency). This variant has not been reported in the literature in individuals affected with ZNF513-related conditions. An algorithm developed to predict the effect of missense changes on protein structure and function (PolyPhen-2) suggests that this variant is likely to be tolerated. In summary, the available evidence is currently insufficient to determine the role of this variant in disease. Therefore, it has been classified as a Variant of Uncertain Significance.